The following is an entry in ClinVar:

NM_001042492.3(NF1):c.3271_3272dup (p.Asp1091fs)

Gene: NF1 (neurofibromin 1; plus strand). Cytogenetic location: 17q11.2.
Variant type: Microsatellite.
Coding change: c.3271_3272dup on transcript NM_001042492.3 (MANE Select); coding-DNA positions 3271 to 3272, 2 bases duplicated (GA; older notation c.3271_3272dupGA).
Protein change: p.Asp1091fs; shifts the reading frame from aspartic acid 1091.
Molecular consequence: frameshift variant.
Genome position (GRCh38, 1-based): chr17:31,232,146-31,232,147, GA duplicated; duplicating any 2 consecutive bases within chr17:31,232,144-31,232,147 gives the same sequence; the c. name uses the placement nearest the transcript's 3' end. VCF-style (leftmost placement, unchanged base first): chr17-31232143-G-GGA. GRCh37 (hg19) VCF-style: chr17-29559161-G-GGA.
Other names: c.3271_3272dupGA (NM_000267.3); c.3269_3270GA[3], p.Asp1091Glufs (NM_000267.4); short protein forms D1091fs.
Identifiers: ClinVar variation 3237721 (VCV003237721.1), dbSNP rs2508224532.
Genomic context (GRCh38, chr17:31,232,143, plus strand): 5'-CAGGCAAGCATGGAAGCAGTAGTTTCACTTCTAGCTGGTCTCCCTCTGCAGCCTGAAGAA[G>GGA]GAGATGGTGTGGAATTGATGGAAGCCAAATCACAGTTATTTCTTAAGTAAATTTCAGTCA-3'

ClinVar aggregate classification (germline): Pathogenic (1 of 4 stars; one submission).

Conditions:
Hereditary cancer-predisposing syndrome. Also called: Neoplastic Syndromes, Hereditary; Tumor predisposition; Hereditary neoplastic syndrome; Hereditary Cancer Syndrome. Identifiers: Orphanet 140162, MedGen C0027672, MeSH D009386, MONDO:0015356.
Cardiovascular phenotype. Identifiers: MedGen CN230736.

Submission:

Ambry Genetics
Classification: Pathogenic for Cardiovascular phenotype; Hereditary cancer-predisposing syndrome. Last evaluated: 2024-03-04. Review status: criteria provided, single submitter. Criteria: Ambry Variant Classification Scheme 2023. Collection method: clinical testing. Allele origin: germline.
Comment: The c.3271_3272dupGA pathogenic mutation, located in coding exon 25 of the NF1 gene, results from a duplication of GA at nucleotide position 3271, causing a translational frameshift with a predicted alternate stop codon (p.D1091Efs*6). This variant has been observed in at least one individual with a personal and/or family history that is consistent with Neurofibromatosis type 1 (Ambry internal data). This variant is considered to be rare based on population cohorts in the Genome Aggregation Database (gnomAD). This alteration is expected to result in loss of function by premature protein truncation or nonsense-mediated mRNA decay. As such, this alteration is interpreted as a disease-causing mutation.